The following is an entry in ClinVar:

ClinVar aggregate classification (germline): Benign/Likely benign. Review status: criteria provided, multiple submitters, no conflicts (2 of 4 stars). 2 submissions from 2 submitters: Benign (1); Likely benign (1). Last evaluated 2026-06-03.

Conditions:
Hereditary cancer-predisposing syndrome. Also called: Neoplastic Syndromes, Hereditary; Tumor predisposition; Hereditary Cancer Syndrome; Hereditary neoplastic syndrome. Identifiers: Orphanet 140162, MedGen C0027672, MeSH D009386, MONDO:0015356.
Gastrointestinal stromal tumor. Also called: Gastrointestinal stromal tumor, somatic; Gastrointestinal stroma tumor. Identifiers: Orphanet 44890, MedGen C0238198, MeSH D046152, MONDO:0011719, OMIM 606764, HP:0100723.

Submissions (2):

Myriad Genetics, Inc.
Classification: Benign for Gastrointestinal stromal tumor. Last evaluated: 2026-06-03. Review status: criteria provided, single submitter. Criteria: Myriad Autosomal Dominant, Autosomal Recessive and X-Linked Classification Criteria (2023). Collection method: clinical testing. Allele origin: unknown.
Comment: This variant is considered benign. This variant is a silent/synonymous amino acid change and it is not expected to impact splicing.

Ambry Genetics
Classification: Likely benign for Hereditary cancer-predisposing syndrome. Last evaluated: 2024-06-22. Review status: criteria provided, single submitter. Criteria: Ambry Variant Classification Scheme 2023. Collection method: clinical testing. Allele origin: germline.

NM_000222.3(KIT):c.1260G>A (p.Arg420=)

Gene: KIT (KIT proto-oncogene, receptor tyrosine kinase; plus strand). Cytogenetic location: 4q12.
Variant type: single nucleotide variant.
Coding change: c.1260G>A on transcript NM_000222.3 (MANE Select); coding-DNA position 1260, G replaced by A.
Protein change: p.Arg420=; no amino-acid change (arginine 420 retained).
Molecular consequence: synonymous variant.
Genome position (GRCh38, 1-based): chr4:54,723,612, G>A. VCF-style: chr4-54723612-G-A. GRCh37 (hg19) VCF-style: chr4-55589778-G-A.
Other names: c.1260G>A, p.Arg420= (NM_001093772.2, NM_001385285.1, NM_001385286.1); c.1263G>A, p.Arg421= (NM_001385284.1, NM_001385288.1, NM_001385290.1 and 1 more transcripts).
Identifiers: ClinVar variation 3288768 (VCV003288768.2).